The following is an entry in ClinVar:

NM_017654.4(SAMD9):c.3245C>T (p.Ala1082Val)

Gene: SAMD9 (sterile alpha motif domain containing 9; minus strand). Cytogenetic location: 7q21.2.
Variant type: single nucleotide variant.
Coding change: c.3245C>T on transcript NM_017654.4 (MANE Select); coding-DNA position 3245, C replaced by T.
Protein change: p.Ala1082Val; replaces alanine 1082 with valine.
Molecular consequence: missense variant.
Genome position (GRCh38, 1-based): chr7:93,102,853, G>A on the plus strand (C>T on the coding strand, the complement: SAMD9 is on the minus strand). VCF-style: chr7-93102853-G-A. GRCh37 (hg19) VCF-style: chr7-92732166-G-A.
Other names: c.3245C>T, p.Ala1082Val (NM_001193307.2); short protein forms A1082V.
Identifiers: ClinVar variation 3792068 (VCV003792068.1).

ClinVar aggregate classification (germline): Uncertain significance (1 of 4 stars; one submission).

Conditions:
Inborn genetic diseases. Identifiers: MedGen C0950123, MeSH D030342.

Submission:

Ambry Genetics
Classification: Uncertain significance for Inborn genetic diseases. Last evaluated: 2025-02-08. Review status: criteria provided, single submitter. Criteria: Ambry Variant Classification Scheme 2023. Collection method: clinical testing. Allele origin: germline.
Comment: The p.A1082V variant (also known as c.3245C>T), located in coding exon 1 of the SAMD9 gene, results from a C to T substitution at nucleotide position 3245. The alanine at codon 1082 is replaced by valine, an amino acid with similar properties. This amino acid position is conserved. In addition, this alteration is predicted to be tolerated by in silico analysis. Based on the available evidence, the clinical significance of this variant remains unclear.